The following is an entry in ClinVar:

ClinVar aggregate classification (germline): Conflicting classifications of pathogenicity. Review status: criteria provided, conflicting classifications (1 of 4 stars). 7 submissions from 7 submitters: Uncertain significance (5); Likely benign (2). Last evaluated 2026-05-26.

Conditions:
MYPN-related disorder. Also called: MYPN-related condition.
Cardiovascular phenotype. Identifiers: MedGen CN230736.
Dilated cardiomyopathy 1KK (CMD1KK). Identifiers: Orphanet 154, Orphanet 75249, MedGen C3714995, MONDO:0014100, OMIM 615248.

Allele frequency attached by ClinVar (database versions not stated): TOPMed 0.00007; 1000 Genomes Project 30x 0.00062; 1000 Genomes Project 0.00080.
gnomAD v4.1: 195 of 1,614,238 alleles (0.012%); highest among the groups gnomAD compares: South Asian, 0.035%; 1 homozygote.

Submissions (7):

PreventionGenetics, part of Exact Sciences
Classification: Uncertain significance for MYPN-related condition. Last evaluated: 2026-05-26. Review status: criteria provided, single submitter. Criteria: ACMG Guidelines, 2015. Collection method: clinical testing. Allele origin: germline.
Comment: The MYPN c.662A>T variant is predicted to result in the amino acid substitution p.Asp221Val. This variant has been reported in five individuals with cardiomyopathy and in an individual with sudden unexpected death in infancy (Table 3. Hertz et al. 2016. PubMed ID: 26350513; Table S4. Guelly et al. 2021. PubMed ID: 33552729; Table S3. Kostareva et al. 2016. PubMed ID: 27662471; Table S2. van Lint et al. 2019. PubMed ID: 30847666). This variant is reported in 0.046% of alleles in individuals of South Asian descent in gnomAD, including one homozygote, which is higher than expected for an autosomal dominant disorder. It has conflicting interpretations regarding its pathogenicity in ClinVar, ranging from likely benign to uncertain (Variation ID: 191748). At this time, the clinical significance of this variant is uncertain due to the absence of conclusive functional and genetic evidence.

Labcorp Genetics (formerly Invitae), Labcorp
Classification: Uncertain significance for Dilated cardiomyopathy 1KK. Last evaluated: 2025-10-02. Review status: criteria provided, single submitter. Criteria: Invitae Variant Classification Sherloc (09022015). Collection method: clinical testing. Allele origin: germline.
Comment: This sequence change replaces aspartic acid, which is acidic and polar, with valine, which is neutral and non-polar, at codon 221 of the MYPN protein (p.Asp221Val). This variant is present in population databases (rs185841477, gnomAD 0.05%), including at least one homozygous and/or hemizygous individual. This missense change has been observed in individual(s) with sudden unexpected death in infancy (SUDI) (PMID: 26350513). ClinVar contains an entry for this variant (Variation ID: 191748). An algorithm developed to predict the effect of missense changes on protein structure and function (PolyPhen-2) suggests that this variant is likely to be tolerated. In summary, the available evidence is currently insufficient to determine the role of this variant in disease. Therefore, it has been classified as a Variant of Uncertain Significance.

Women's Health and Genetics/Laboratory Corporation of America, LabCorp
Classification: Uncertain significance. Last evaluated: 2025-07-22. Review status: criteria provided, single submitter. Criteria: LabCorp Variant Classification Summary - May 2015. Collection method: clinical testing. Allele origin: germline.
Comment: Variant summary: MYPN c.662A>T (p.Asp221Val) results in a non-conservative amino acid change in the encoded protein sequence. Algorithms developed to predict the effect of missense changes on protein structure and function are either unavailable or do not agree on the potential impact of this missense change. The variant allele was found at a frequency of 0.00015 in 251288 control chromosomes in the gnomAD database, including 1 homozygote. This frequency is not significantly higher than estimated for a pathogenic variant in MYPN causing MYPN-Related Myopathy (0.00015 vs 0.0005), allowing no conclusion about variant significance. c.662A>T has been observed in a case of sudden unexplained death in infancy and in individuals affected with restrictive cardiomyopathy, coronary heart disease, or idiopathic ventricular tachycardia, however in most cases other variants were also reported in other cardiac-related genes and no segregation data was provided (e.g. Hertz_2016, Kostareva_2016, Guelly_2021). These reports do not provide unequivocal conclusions about association of the variant with MYPN-Related Myopathy or Cardiomyopathy. To our knowledge, no experimental evidence demonstrating an impact on protein function has been reported. The following publications have been ascertained in the context of this evaluation (PMID: 33552729, 26350513, 27662471). ClinVar contains an entry for this variant (Variation ID: 191748). Based on the evidence outlined above, the variant was classified as uncertain significance.

Ambry Genetics
Classification: Uncertain significance for Cardiovascular phenotype. Last evaluated: 2024-11-26. Review status: criteria provided, single submitter. Criteria: Ambry Variant Classification Scheme 2023. Collection method: clinical testing. Allele origin: germline.
Comment: The p.D221V variant (also known as c.662A>T), located in coding exon 1 of the MYPN gene, results from an A to T substitution at nucleotide position 662. The aspartic acid at codon 221 is replaced by valine, an amino acid with highly dissimilar properties. This variant has been detected in individuals and cohorts with various phenotypes including coronary heart disease, ventricular arrhythmia, dilated cardiomyopathy, sudden unexplained death, and restrictive cardiomyopathy; however, details were limited and variants in other cardiac-related genes were detected in some cases (Kostareva A et al. PLoS One Sep;11:e0163362; Hertz CL et al. Eur J Hum Genet, 2016 06;24:817-22; Hertz CL et al. Eur J Hum Genet, 2016 06;24:817-22; van Lint FHM et al. Neth Heart J, 2019 Jun;27:304-309; Kars ME et al. Proc Natl Acad Sci U S A, 2021 09;118; Guelly C et al. PeerJ, 2021 Jan;9:e10711). This variant has also been detected in an exome cohort; however, details were limited (Ng D et al. Circ Cardiovasc Genet. 2013 Aug;6(4):337-46). This amino acid position is well conserved in available vertebrate species. In addition, the in silico prediction for this alteration is inconclusive. Since supporting evidence is limited at this time, the clinical significance of this alteration remains unclear.

Blueprint Genetics
Classification: Likely benign. Last evaluated: 2024-11-22. Review status: criteria provided, single submitter. Criteria: ACMG Guidelines, 2015. Collection method: clinical testing. Allele origin: germline.

GeneDx
Classification: Likely benign. Last evaluated: 2020-10-16. Review status: criteria provided, single submitter. Criteria: GeneDx Variant Classification Process June 2021. Collection method: clinical testing. Allele origin: germline. Affected: yes.
Comment: This variant is associated with the following publications: (PMID: 28831623, 27662471, 26350513)

Biesecker Lab/Clinical Genomics Section, National Institutes of Health
Classification: Uncertain significance. Last evaluated: 2013-06-24. Review status: criteria provided, single submitter. Criteria: Ng et al. (Circ Cardiovasc Genet. 2013). Collection method: research. Allele origin: unknown. Observed: 1 variant allele. Study: ClinSeq.
Comment: The study set was not selected for affection status in relation to any cancer. Pathogenicity categories were based on literature curation. See Pubmed ID:23861362 for details.

Medical sequencing

Literature cited by the submitters: PubMed 26350513 (cited by 3 submitters); PubMed 27662471 (cited by Women's Health and Genetics/Laboratory Corporation of America, LabCorp and Ambry Genetics); PubMed 33552729 (cited by Women's Health and Genetics/Laboratory Corporation of America, LabCorp and Ambry Genetics); PubMed 28831623 (cited by Ambry Genetics); PubMed 30847666 (cited by Ambry Genetics); PubMed 34426522 (cited by Ambry Genetics).

NM_032578.4(MYPN):c.662A>T (p.Asp221Val)

Gene: MYPN (myopalladin; plus strand). Cytogenetic location: 10q21.3.
Variant type: single nucleotide variant.
Coding change: c.662A>T on transcript NM_032578.4 (MANE Select); coding-DNA position 662, A replaced by T.
Protein change: p.Asp221Val; replaces aspartic acid 221 with valine.
Molecular consequence: missense variant. On other transcripts: 5 prime UTR variant (1), non-coding transcript variant (1).
Genome position (GRCh38, 1-based): chr10:68,122,100, A>T. VCF-style: chr10-68122100-A-T. GRCh37 (hg19) VCF-style: chr10-69881857-A-T.
Other names: c.662A>T, p.Asp221Val (NM_001256267.2); c.-461A>T (NM_001256268.2); short protein forms D221V.
Identifiers: ClinVar variation 191748 (VCV000191748.26), dbSNP rs185841477, ClinGen allele CA237445.